The following is an entry in ClinVar:

NM_000245.4(MET):c.2359A>G (p.Thr787Ala)

Gene: MET (MET proto-oncogene, receptor tyrosine kinase; plus strand). Cytogenetic location: 7q31.2.
Variant type: single nucleotide variant.
Coding change: c.2359A>G on transcript NM_000245.4 (MANE Select); coding-DNA position 2359, A replaced by G.
Protein change: p.Thr787Ala; replaces threonine 787 with alanine.
Molecular consequence: missense variant.
Genome position (GRCh38, 1-based): chr7:116,759,485, A>G. VCF-style: chr7-116759485-A-G. GRCh37 (hg19) VCF-style: chr7-116399539-A-G.
Other names: c.1069A>G, p.Thr357Ala (NM_001324402.2); c.2413A>G, p.Thr805Ala (NM_001127500.3); c.2359A>G, p.Thr787Ala (NM_001324401.3); short protein forms T787A, T805A, T357A.
Identifiers: ClinVar variation 645086 (VCV000645086.15), dbSNP rs1180556775, ClinGen allele CA368982573.

ClinVar aggregate classification (germline): Uncertain significance. Review status: criteria provided, multiple submitters, no conflicts (2 of 4 stars). 2 submissions from 2 submitters: Uncertain significance (2). Last evaluated 2026-01-27.

Conditions:
Hereditary cancer-predisposing syndrome. Also called: Hereditary Cancer Syndrome; Tumor predisposition; Hereditary neoplastic syndrome; Neoplastic Syndromes, Hereditary. Identifiers: Orphanet 140162, MedGen C0027672, MeSH D009386, MONDO:0015356.
Renal cell carcinoma. Identifiers: Orphanet 217071, MedGen C0007134, MeSH D002292, MONDO:0005086, HP:0005584.

Allele frequency attached by ClinVar (database versions not stated): gnomAD exomes below 0.00001; TOPMed below 0.00001; gnomAD 0.00001.
gnomAD v4.1: 2 of 1,613,016 alleles (0.00012%); highest among the groups gnomAD compares: Middle Eastern, 0.033%; no homozygotes.

Submissions (2):

Labcorp Genetics (formerly Invitae), Labcorp
Classification: Uncertain significance for Renal cell carcinoma. Last evaluated: 2026-01-27. Review status: criteria provided, single submitter. Criteria: Invitae Variant Classification Sherloc (09022015). Collection method: clinical testing. Allele origin: germline.
Comment: This sequence change replaces threonine, which is neutral and polar, with alanine, which is neutral and non-polar, at codon 805 of the MET protein (p.Thr805Ala). This variant is not present in population databases (gnomAD no frequency). This variant has not been reported in the literature in individuals affected with MET-related conditions. ClinVar contains an entry for this variant (Variation ID: 645086). Invitae Evidence Modeling of protein sequence and biophysical properties (such as structural, functional, and spatial information, amino acid conservation, physicochemical variation, residue mobility, and thermodynamic stability) indicates that this missense variant is not expected to disrupt MET protein function with a negative predictive value of 80%. In summary, the available evidence is currently insufficient to determine the role of this variant in disease. Therefore, it has been classified as a Variant of Uncertain Significance.

Ambry Genetics
Classification: Uncertain significance for Hereditary cancer-predisposing syndrome. Last evaluated: 2025-12-03. Review status: criteria provided, single submitter. Criteria: Ambry Variant Classification Scheme 2023. Collection method: clinical testing. Allele origin: germline.
Comment: The p.T805A variant (also known as c.2413A>G), located in coding exon 9 of the MET gene, results from an A to G substitution at nucleotide position 2413. The threonine at codon 805 is replaced by alanine, an amino acid with similar properties. This amino acid position is well conserved in available vertebrate species. In addition, the in silico prediction for this alteration is inconclusive. Based on the available evidence, the clinical significance of this variant remains unclear.